The following is an entry in ClinVar:

NM_005996.4(TBX3):c.1176C>A (p.Val392=)

Gene: TBX3 (T-box transcription factor 3; minus strand). Cytogenetic location: 12q24.21.
Variant type: single nucleotide variant.
Coding change: c.1176C>A on transcript NM_005996.4 (MANE Select); coding-DNA position 1176, C replaced by A.
Protein change: p.Val392=; no amino-acid change (valine 392 retained).
Molecular consequence: synonymous variant.
Genome position (GRCh38, 1-based): chr12:114,674,699, G>T on the plus strand (C>A on the coding strand, the complement: TBX3 is on the minus strand). VCF-style: chr12-114674699-G-T. GRCh37 (hg19) VCF-style: chr12-115112504-G-T.
Other names: c.1236C>A, p.Val412= (NM_016569.4).
Identifiers: ClinVar variation 3357736 (VCV003357736.3).
Genomic context (GRCh38, chr12:114,674,699, plus strand): 5'-CGACGCTTTGTCCAGCCGCCCGCTGTCCCGGGGCCGCTCAGCAGCGAAAAGGTGAGCCTT[G>T]ACCGCGGGGCTGCCCTTGTCACGGCAGGGCTCCTCCGACGTGGTGGTGGAGATCTTGGCC-3'
Protein context (NP_005987.3, residues 382-402): EPCRDKGSPA[Val392=]KAHLFAAERP

ClinVar aggregate classification (germline): Likely benign. Review status: criteria provided, single submitter (1 of 4 stars). 2 submissions from 2 submitters: Likely benign (1). 1 of the submissions does not count toward it. Last evaluated 2024-04-08.

Conditions:
Ulnar-mammary syndrome (UMS). Also called: Ulnar-mammary syndrome of Pallister; PALLISTER ULNAR-MAMMARY SYNDROME; SCHINZEL SYNDROME. Identifiers: Orphanet 3138, MedGen C1866994, MONDO:0008411, OMIM 181450.
TBX3-related disorder. Also called: TBX3-related condition.

gnomAD v4.1: 15 of 1,605,860 alleles (0.00093%); highest among the groups gnomAD compares: African/African-American, 0.015%; no homozygotes.

Submissions (2):

Labcorp Genetics (formerly Invitae), Labcorp
Classification: Likely benign for Ulnar-mammary syndrome. Last evaluated: 2024-04-08. Review status: criteria provided, single submitter. Criteria: Invitae Variant Classification Sherloc (09022015). Collection method: clinical testing. Allele origin: germline.

PreventionGenetics, part of Exact Sciences
Classification: Likely benign for TBX3-related condition. Last evaluated: 2024-05-23. Review status: no assertion criteria provided. Collection method: clinical testing. Allele origin: germline. Not counted in ClinVar's aggregate classification.
Comment: This variant is classified as likely benign based on ACMG/AMP sequence variant interpretation guidelines (Richards et al. 2015 PMID: 25741868, with internal and published modifications).